The following is an entry in ClinVar:

ClinVar aggregate classification (germline): Uncertain significance (1 of 4 stars; one submission).

Conditions:
Asphyxiating thoracic dystrophy 5 (SRTD5). Also called: SHORT-RIB THORACIC DYSPLASIA 5 WITH OR WITHOUT POLYDACTYLY; SHORT-RIB THORACIC DYSPLASIA 5 WITHOUT POLYDACTYLY. Identifiers: Orphanet 474, MedGen C3280598, MONDO:0013717, OMIM 614376.
Senior-Loken syndrome 8 (SLSN8). Identifiers: Orphanet 3156, MedGen C4225376, MONDO:0014579, OMIM 616307.

Submission:

Labcorp Genetics (formerly Invitae), Labcorp
Classification: Uncertain significance for Senior-Loken syndrome 8; Asphyxiating thoracic dystrophy 5. Last evaluated: 2022-10-31. Review status: criteria provided, single submitter. Criteria: Invitae Variant Classification Sherloc (09022015). Collection method: clinical testing. Allele origin: germline.
Comment: This sequence change replaces alanine, which is neutral and non-polar, with serine, which is neutral and polar, at codon 1113 of the WDR19 protein (p.Ala1113Ser). This variant is not present in population databases (gnomAD no frequency). This variant has not been reported in the literature in individuals affected with WDR19-related conditions. Advanced modeling of protein sequence and biophysical properties (such as structural, functional, and spatial information, amino acid conservation, physicochemical variation, residue mobility, and thermodynamic stability) performed at Invitae indicates that this missense variant is not expected to disrupt WDR19 protein function. In summary, the available evidence is currently insufficient to determine the role of this variant in disease. Therefore, it has been classified as a Variant of Uncertain Significance.

NM_025132.4(WDR19):c.3337G>T (p.Ala1113Ser)

Gene: WDR19 (WD repeat domain 19; plus strand). Cytogenetic location: 4p14.
Variant type: single nucleotide variant.
Coding change: c.3337G>T on transcript NM_025132.4 (MANE Select); coding-DNA position 3337, G replaced by T.
Protein change: p.Ala1113Ser; replaces alanine 1113 with serine.
Molecular consequence: missense variant.
Genome position (GRCh38, 1-based): chr4:39,268,070, G>T. VCF-style: chr4-39268070-G-T. GRCh37 (hg19) VCF-style: chr4-39269690-G-T.
Other names: c.2857G>T, p.Ala953Ser (NM_001317924.2); short protein forms A1113S, A953S.
Identifiers: ClinVar variation 1713686 (VCV001713686.6), dbSNP rs2475379514, ClinGen allele CA356645276.
Genomic context (GRCh38, chr4:39,268,070, plus strand): 5'-TTCCGCTTGTACATGGCTCTGAAGCAATACCGAGAAGCTGCCCAGACTGCCATCATCATT[G>T]CCAGAGAAGAGCAGTCTGCAGGTAGGTCCGTGATACGTATGTGTTACTTCCCAAGCAGGC-3'
Protein context (NP_079408.3, residues 1103-1123): REAAQTAIII[Ala1113Ser]REEQSAGNYR